The following is an entry in ClinVar:

ClinVar aggregate classification (germline): Uncertain significance (1 of 4 stars; one submission).

gnomAD v4.1: 4 of 1,614,188 alleles (0.00025%); highest among the groups gnomAD compares: Non-Finnish European, 0.00034%; no homozygotes.

Submission:

Labcorp Genetics (formerly Invitae), Labcorp
Classification: Uncertain significance. Last evaluated: 2025-07-21. Review status: criteria provided, single submitter. Criteria: Invitae Variant Classification Sherloc (09022015). Collection method: clinical testing. Allele origin: germline.
Comment: This sequence change replaces valine, which is neutral and non-polar, with methionine, which is neutral and non-polar, at codon 843 of the SRCAP protein (p.Val843Met). This variant is present in population databases (no rsID available, gnomAD 0.0009%). This variant has not been reported in the literature in individuals affected with SRCAP-related conditions. Invitae Evidence Modeling of protein sequence and biophysical properties (such as structural, functional, and spatial information, amino acid conservation, physicochemical variation, residue mobility, and thermodynamic stability) indicates that this missense variant is not expected to disrupt SRCAP protein function with a negative predictive value of 80%. In summary, the available evidence is currently insufficient to determine the role of this variant in disease. Therefore, it has been classified as a Variant of Uncertain Significance.

NM_006662.3(SRCAP):c.2527G>A (p.Val843Met)

Gene: SRCAP (Snf2 related CREBBP activator protein; plus strand). Cytogenetic location: 16p11.2.
Variant type: single nucleotide variant.
Coding change: c.2527G>A on transcript NM_006662.3 (MANE Select); coding-DNA position 2527, G replaced by A.
Protein change: p.Val843Met; replaces valine 843 with methionine.
Molecular consequence: missense variant.
Genome position (GRCh38, 1-based): chr16:30,716,099, G>A. VCF-style: chr16-30716099-G-A. GRCh37 (hg19) VCF-style: chr16-30727420-G-A.
Other names: short protein forms V843M.
Identifiers: ClinVar variation 4700875 (VCV004700875.1).